The following is an entry in ClinVar:

ClinVar aggregate classification (germline): Uncertain significance (1 of 4 stars; one submission).

Conditions:
Hereditary cancer-predisposing syndrome. Also called: Neoplastic Syndromes, Hereditary; Tumor predisposition; Hereditary Cancer Syndrome; Hereditary neoplastic syndrome. Identifiers: Orphanet 140162, MedGen C0027672, MeSH D009386, MONDO:0015356.

Submission:

Ambry Genetics
Classification: Uncertain significance for Hereditary cancer-predisposing syndrome. Last evaluated: 2026-06-18. Review status: criteria provided, single submitter. Criteria: Ambry Variant Classification Scheme 2023. Collection method: clinical testing. Allele origin: germline.
Comment: The p.E1083V variant (also known as c.3248A>T), located in coding exon 23 of the SMARCA4 gene, results from an A to T substitution at nucleotide position 3248. The glutamic acid at codon 1083 is replaced by valine, an amino acid with dissimilar properties. This amino acid position is highly conserved in available vertebrate species. In addition, this alteration is predicted to be deleterious by in silico analysis. Based on the available evidence, the clinical significance of this alteration remains unclear.

NM_003072.5(SMARCA4):c.3248A>T (p.Glu1083Val)

Gene: SMARCA4 (SWI/SNF related BAF chromatin remodeling complex subunit ATPase 4; plus strand). Cytogenetic location: 19p13.2.
Variant type: single nucleotide variant.
Coding change: c.3248A>T on transcript NM_003072.5 (MANE Select); coding-DNA position 3248, A replaced by T.
Protein change: p.Glu1083Val; replaces glutamic acid 1083 with valine.
Molecular consequence: missense variant. On other transcripts: non-coding transcript variant (1).
Genome position (GRCh38, 1-based): chr19:11,027,816, A>T. VCF-style: chr19-11027816-A-T. GRCh37 (hg19) VCF-style: chr19-11138492-A-T.
Other names: c.3248A>T, p.Glu1083Val (NM_001128844.3, NM_001128845.2, NM_001128846.2 and 6 more transcripts); short protein forms E1083V.
Identifiers: ClinVar variation 3233101 (VCV003233101.2), dbSNP rs2146542142, ClinGen allele CA404061339.